The following is an entry in ClinVar:

NM_000277.3(PAH):c.535_536del (p.Tyr179fs)

Gene: PAH (phenylalanine hydroxylase; minus strand). Cytogenetic location: 12q23.2.
Variant type: Deletion.
Coding change: c.535_536del on transcript NM_000277.3 (MANE Select); coding-DNA positions 535 to 536, 2 bases deleted (TA; older notation c.535_536delTA).
Protein change: p.Tyr179fs; shifts the reading frame from tyrosine 179.
Molecular consequence: frameshift variant.
Genome position (GRCh38, 1-based): chr12:102,855,306-102,855,307, TA deleted on the plus strand (TA on the coding strand, the reverse complement: PAH is on the minus strand); deleting any 2 consecutive bases within chr12:102,855,306-102,855,308 gives the same sequence; the c. name uses the placement nearest the transcript's 3' end. VCF-style (leftmost placement, unchanged base first): chr12-102855305-GTA-G. GRCh37 (hg19) VCF-style: chr12-103249083-GTA-G.
Other names: c.535_536del, p.Tyr179fs (NM_001354304.2); short protein forms Y179fs.
Identifiers: ClinVar variation 1725114 (VCV001725114.2), dbSNP rs2499626365, ClinGen allele CA2580085716.

ClinVar aggregate classification (germline): Likely pathogenic (1 of 4 stars; one submission).

Conditions:
Phenylketonuria (PKU). Also called: Phenylketonurias; FOLLING DISEASE; Phenylketonuria (PKU); OLIGOPHRENIA PHENYLPYRUVICA. Identifiers: Orphanet 716, MedGen C0031485, MONDO:0009861, OMIM 261600. Disease mechanism: loss of function.

Submission:

Myriad Genetics, Inc.
Classification: Likely pathogenic for Phenylketonuria. Last evaluated: 2022-03-08. Review status: criteria provided, single submitter. Criteria: Myriad Women's Health Autosomal Recessive and X-Linked Classification Criteria (2021). Collection method: clinical testing. Allele origin: unknown.
Comment: NM_000277.1(PAH):c.535_536delTA(Y179Hfs*20) is expected to be pathogenic in the context of phenylalanine hydroxylase deficiency. This variant is predicted to lead to an abnormal or absent protein product due to the creation of a premature termination codon in PAH, a gene where loss-of-function variants are known to be pathogenic. Please note: this variant was assessed in the context of healthy population screening.